The following is an entry in ClinVar:

NM_001287491.2(TET3):c.3977A>G (p.Asn1326Ser)

Gene: TET3 (tet methylcytosine dioxygenase 3; plus strand). Cytogenetic location: 2p13.1.
Variant type: single nucleotide variant.
Coding change: c.3977A>G on transcript NM_001287491.2 (MANE Select); coding-DNA position 3977, A replaced by G.
Protein change: p.Asn1326Ser; replaces asparagine 1326 with serine.
Molecular consequence: missense variant.
Genome position (GRCh38, 1-based): chr2:74,100,765, A>G. VCF-style: chr2-74100765-A-G. GRCh37 (hg19) VCF-style: chr2-74327892-A-G.
Other names: c.3698A>G, p.Asn1233Ser (NM_001366022.1); short protein forms N1233S, N1326S.
Identifiers: ClinVar variation 3770085 (VCV003770085.1).

ClinVar aggregate classification (germline): Uncertain significance (1 of 4 stars; one submission).

gnomAD v4.1: 6 of 1,613,372 alleles (0.00037%); highest among the groups gnomAD compares: Non-Finnish European, 0.00042%; no homozygotes.

Submission:

GeneDx
Classification: Uncertain significance. Last evaluated: 2024-09-13. Review status: criteria provided, single submitter. Criteria: GeneDx Variant Classification Process June 2021. Collection method: clinical testing. Allele origin: germline. Affected: yes.
Comment: In silico analysis indicates that this missense variant does not alter protein structure/function; Has not been previously published as pathogenic or benign to our knowledge